The following is an entry in ClinVar:

ClinVar aggregate classification (germline): Uncertain significance. Review status: criteria provided, multiple submitters, no conflicts (2 of 4 stars). 2 submissions from 2 submitters: Uncertain significance (2). Last evaluated 2025-04-30.

Conditions:
Hereditary cancer-predisposing syndrome. Also called: Tumor predisposition; Neoplastic Syndromes, Hereditary; Hereditary Cancer Syndrome; Hereditary neoplastic syndrome. Identifiers: Orphanet 140162, MedGen C0027672, MeSH D009386, MONDO:0015356.
Cardiovascular phenotype. Identifiers: MedGen CN230736.
Neurofibromatosis, type 1 (NF1). Also called: VON RECKLINGHAUSEN DISEASE; NEUROFIBROMATOSIS, TYPE I, SOMATIC; Peripheral type neurofibromatosis; Neurofibromatosis, type I. Identifiers: Orphanet 636, MedGen C0027831, MONDO:0018975, OMIM 162200. Disease mechanism: loss of function.

Submissions (2):

Ambry Genetics
Classification: Uncertain significance for Cardiovascular phenotype; Hereditary cancer-predisposing syndrome. Last evaluated: 2025-04-30. Review status: criteria provided, single submitter. Criteria: Ambry Variant Classification Scheme 2023. Collection method: clinical testing. Allele origin: germline.
Comment: The p.H729L variant (also known as c.2186A>T), located in coding exon 18 of the NF1 gene, results from an A to T substitution at nucleotide position 2186. The histidine at codon 729 is replaced by leucine, an amino acid with similar properties. This amino acid position is well conserved in available vertebrate species. In addition, this alteration is predicted to be tolerated by in silico analysis. Based on the available evidence, the clinical significance of this variant remains unclear.

Labcorp Genetics (formerly Invitae), Labcorp
Classification: Uncertain significance for Neurofibromatosis, type 1. Last evaluated: 2022-02-22. Review status: criteria provided, single submitter. Criteria: Invitae Variant Classification Sherloc (09022015). Collection method: clinical testing. Allele origin: germline.
Comment: Advanced modeling of protein sequence and biophysical properties (such as structural, functional, and spatial information, amino acid conservation, physicochemical variation, residue mobility, and thermodynamic stability) performed at Invitae indicates that this missense variant is not expected to disrupt NF1 protein function. In summary, the available evidence is currently insufficient to determine the role of this variant in disease. Therefore, it has been classified as a Variant of Uncertain Significance. This variant has not been reported in the literature in individuals affected with NF1-related conditions. This variant is not present in population databases (gnomAD no frequency). This sequence change replaces histidine, which is basic and polar, with leucine, which is neutral and non-polar, at codon 729 of the NF1 protein (p.His729Leu).

NM_001042492.3(NF1):c.2186A>T (p.His729Leu)

Gene: NF1 (neurofibromin 1; plus strand). Cytogenetic location: 17q11.2.
Variant type: single nucleotide variant.
Coding change: c.2186A>T on transcript NM_001042492.3 (MANE Select); coding-DNA position 2186, A replaced by T.
Protein change: p.His729Leu; replaces histidine 729 with leucine.
Molecular consequence: missense variant.
Genome position (GRCh38, 1-based): chr17:31,226,619, A>T. VCF-style: chr17-31226619-A-T. GRCh37 (hg19) VCF-style: chr17-29553637-A-T.
Other names: c.2186A>T, p.His729Leu (NM_000267.4); short protein forms H729L.
Identifiers: ClinVar variation 1787335 (VCV001787335.8), dbSNP rs2151426011, ClinGen allele CA398982449.